The following is an entry in ClinVar:

NM_000091.5(COL4A3):c.632C>G (p.Pro211Arg)

Genes: COL4A3 (collagen type IV alpha 3 chain; plus strand), MFF-DT (MFF divergent transcript; minus strand). Cytogenetic location: 2q36.3.
Variant type: single nucleotide variant.
Coding change: c.632C>G on transcript NM_000091.5 (MANE Select); coding-DNA position 632, C replaced by G.
Protein change: p.Pro211Arg; replaces proline 211 with arginine.
Molecular consequence: missense variant.
Genome position (GRCh38, 1-based): chr2:227,251,358, C>G. VCF-style: chr2-227251358-C-G. GRCh37 (hg19) VCF-style: chr2-228116074-C-G.
Other names: short protein forms P211R.
Identifiers: ClinVar variation 1355163 (VCV001355163.6), dbSNP rs2125925060, ClinGen allele CA350864064.

ClinVar aggregate classification (germline): Uncertain significance (1 of 4 stars; one submission).

Submission:

Labcorp Genetics (formerly Invitae), Labcorp
Classification: Uncertain significance. Last evaluated: 2023-08-04. Review status: criteria provided, single submitter. Criteria: Invitae Variant Classification Sherloc (09022015). Collection method: clinical testing. Allele origin: germline.
Comment: This variant has not been reported in the literature in individuals affected with COL4A3-related conditions. In summary, the available evidence is currently insufficient to determine the role of this variant in disease. Therefore, it has been classified as a Variant of Uncertain Significance. Advanced modeling of protein sequence and biophysical properties (such as structural, functional, and spatial information, amino acid conservation, physicochemical variation, residue mobility, and thermodynamic stability) has been performed at Invitae for this missense variant, however the output from this modeling did not meet the statistical confidence thresholds required to predict the impact of this variant on COL4A3 protein function. ClinVar contains an entry for this variant (Variation ID: 1355163). This variant is not present in population databases (gnomAD no frequency). This sequence change replaces proline, which is neutral and non-polar, with arginine, which is basic and polar, at codon 211 of the COL4A3 protein (p.Pro211Arg).